The following is an entry in ClinVar:

ClinVar aggregate classification (germline): Uncertain significance. Review status: criteria provided, multiple submitters, no conflicts (2 of 4 stars). 2 submissions from 2 submitters: Uncertain significance (2). Last evaluated 2025-10-22.

Conditions:
Colorectal cancer, hereditary nonpolyposis, type 7. Identifiers: Orphanet 144, MedGen C1858380, MONDO:0013725, OMIM 614385.

Allele frequency attached by ClinVar (database versions not stated): gnomAD exomes 0.00001 and 0.00002; ExAC 0.00002; TOPMed 0.00004; gnomAD 0.00005.
gnomAD v4.1: 17 of 1,613,976 alleles (0.0011%); highest among the groups gnomAD compares: Admixed American, 0.02%; no homozygotes.

Submissions (2):

Ambry Genetics
Classification: Uncertain significance. Last evaluated: 2025-10-22. Review status: criteria provided, single submitter. Criteria: Ambry Variant Classification Scheme 2023. Collection method: clinical testing. Allele origin: germline.
Comment: The p.I1327T variant (also known as c.3980T>C), located in coding exon 8 of the MLH3 gene, results from a T to C substitution at nucleotide position 3980. The isoleucine at codon 1327 is replaced by threonine, an amino acid with similar properties. This amino acid position is conserved. In addition, the in silico prediction for this alteration is inconclusive. Since supporting evidence is limited at this time, the clinical significance of this alteration remains unclear.

Labcorp Genetics (formerly Invitae), Labcorp
Classification: Uncertain significance for Colorectal cancer, hereditary nonpolyposis, type 7. Last evaluated: 2021-08-27. Review status: criteria provided, single submitter. Criteria: Invitae Variant Classification Sherloc (09022015). Collection method: clinical testing. Allele origin: germline.
Comment: In summary, the available evidence is currently insufficient to determine the role of this variant in disease. Therefore, it has been classified as a Variant of Uncertain Significance. Algorithms developed to predict the effect of missense changes on protein structure and function are either unavailable or do not agree on the potential impact of this missense change (SIFT: "Deleterious"; PolyPhen-2: "Possibly Damaging"; Align-GVGD: "Class C0"). This variant has not been reported in the literature in individuals affected with MLH3-related conditions. This variant is present in population databases (rs757266275, ExAC 0.003%). This sequence change replaces isoleucine with threonine at codon 1327 of the MLH3 protein (p.Ile1327Thr). The isoleucine residue is highly conserved and there is a moderate physicochemical difference between isoleucine and threonine.

NM_001040108.2(MLH3):c.3980T>C (p.Ile1327Thr)

Gene: MLH3 (mutL homolog 3; minus strand). Cytogenetic location: 14q24.3.
Variant type: single nucleotide variant.
Coding change: c.3980T>C on transcript NM_001040108.2 (MANE Select); coding-DNA position 3980, T replaced by C.
Protein change: p.Ile1327Thr; replaces isoleucine 1327 with threonine.
Molecular consequence: missense variant.
Genome position (GRCh38, 1-based): chr14:75,030,550, A>G on the plus strand (T>C on the coding strand, the complement: MLH3 is on the minus strand). VCF-style: chr14-75030550-A-G. GRCh37 (hg19) VCF-style: chr14-75497253-A-G.
Other names: c.3980T>C (NM_001040108.1); c.3908T>C, p.Ile1303Thr (NM_014381.3); short protein forms I1327T, I1303T.
Identifiers: ClinVar variation 1477207 (VCV001477207.8), dbSNP rs757266275, ClinGen allele CA7275283.
Genomic context (GRCh38, chr14:75,030,550, plus strand): 5'-TATGAGGTTACCATCACTCAGCAATTTCCTTAACATCTGCAGCTGTGTCTTACCTCCACA[A>G]TACTCTTGGTCACAGTAGATCTTCCTCTCCGAAGTTCATTGGCTTCTCTTTCCACAAAAC-3'
Protein context (NP_001035197.1, residues 1317-1337): RRGRSTVTKS[Ile1327Thr]VEEFIREQLE